The following is an entry in ClinVar:

ClinVar aggregate classification (germline): Conflicting classifications of pathogenicity. Review status: criteria provided, conflicting classifications (1 of 4 stars). 2 submissions from 2 submitters: Pathogenic (1); Uncertain significance (1). Last evaluated 2025-09-05.

Conditions:
Malignant hyperthermia, susceptibility to, 1 (MHS1). Also called: Anesthesia related hyperthermia; Malignant hyperpyrexia; Fulminating hyperpyrexia; Pharmacogenic myopathy; RYR1-Related Malignant Hyperthermia Susceptibility; Malignant hyperthermia suceptibility 1. Identifiers: Orphanet 423, MedGen C2930980, MONDO:0007783, OMIM 145600.

Submissions (2):

Color Diagnostics, LLC DBA Color Health
Classification: Uncertain significance for Malignant hyperthermia, susceptibility to, 1. Last evaluated: 2025-09-05. Review status: criteria provided, single submitter. Criteria: ACMG Guidelines, 2015. Collection method: clinical testing. Allele origin: germline.
Comment: This variant inserts 1 nucleotide in exon 55 of the RYR1 gene, creating a frameshift and premature translation stop signal. This variant is expected to result in an absent or non-functional protein product. To our knowledge, this variant has not been reported in individuals affected with RYR1-related disorders in the literature. This variant has not been identified in the general population by the Genome Aggregation Database (gnomAD). Loss of RYR1 function due to truncation variants is not an established disease mechanism for autosomal dominant malignant hyperthermia, although it is associated with other phenotype(s) (ClinVar Variation ID: 817673). Therefore, this variant is classified as a Variant of Uncertain Significance for autosomal dominant malignant hyperthermia.

GeneDx
Classification: Pathogenic. Last evaluated: 2018-06-13. Review status: criteria provided, single submitter. Criteria: GeneDx Variant Classification (06012015). Collection method: clinical testing. Allele origin: germline. Affected: yes.
Comment: The c.8580dupC variant in the RYR1 gene has not been reported previously as a pathogenic variant nor as a benign variant, to our knowledge. The c.8580dupC variant causes a frameshift starting with codon Aspartic acid 2861, changes this amino acid to an Arginine residue, and creates a premature Stop codon at position 3 of the new reading frame, denoted p.Asp2861ArgfsX3. This variant is predicted to cause loss of normal protein function either through protein truncation or nonsense-mediated mRNA decay. The c.8580dupC variant is not observed in large population cohorts (Lek et al., 2016). We interpret c.8580dupC as a pathogenic variant.

NM_000540.3(RYR1):c.8580dup (p.Asp2861fs)

Genes: RYR1 (ryanodine receptor 1; plus strand), LOC126862902 (BRD4-independent group 4 enhancer GRCh37_chr19:38995830-38997029; plus strand). Cytogenetic location: 19q13.2.
Variant type: Duplication.
Coding change: c.8580dup on transcript NM_000540.3 (MANE Select); coding-DNA position 8580, one base duplicated (C; older notation c.8580dupC).
Protein change: p.Asp2861fs; shifts the reading frame from aspartic acid 2861.
Molecular consequence: frameshift variant.
Genome position (GRCh38, 1-based): chr19:38,506,341, C duplicated; the last of 6 consecutive C bases (chr19:38,506,336-38,506,341); duplicating any one gives the same sequence. VCF-style (leftmost placement, unchanged base first): chr19-38506335-G-GC. GRCh37 (hg19) VCF-style: chr19-38996975-G-GC.
Other names: c.8580dup, p.Asp2861fs (NM_001042723.2); short protein forms D2861fs.
Identifiers: ClinVar variation 817673 (VCV000817673.2), dbSNP rs757481998, ClinGen allele CA072300.
Genomic context (GRCh38, chr19:38,506,335, plus strand): 5'-ACCTCCCATCTTCCCCTTGTCCTCTCAGACCTATGATCCTCGAGAAGGCTACAACCCTCA[G>GC]CCCCCCGACCTTAGTGCTGTTACCCTGTCCCGGGAGCTGCAGGTGAGAGCCCTGATCCTT-3'